The following is an entry in ClinVar:

NM_015030.2(FRYL):c.989T>A (p.Leu330Ter)

Gene: FRYL (FRY like transcription coactivator; minus strand). Cytogenetic location: 4p11.
Variant type: single nucleotide variant.
Coding change: c.989T>A on transcript NM_015030.2 (MANE Select); coding-DNA position 989, T replaced by A.
Protein change: p.Leu330Ter; replaces leucine 330 with a stop codon.
Molecular consequence: nonsense.
Genome position (GRCh38, 1-based): chr4:48,602,066, A>T on the plus strand (T>A on the coding strand, the complement: FRYL is on the minus strand). VCF-style: chr4-48602066-A-T. GRCh37 (hg19) VCF-style: chr4-48604083-A-T.
Other names: short protein forms L330*.
Identifiers: ClinVar variation 4669864 (VCV004669864.2).

ClinVar aggregate classification (germline): Uncertain significance (1 of 4 stars; one submission).

gnomAD v4.1: 1 of 1,591,958 alleles (0.000063%); highest among the groups gnomAD compares: Non-Finnish European, 0.000086%; no homozygotes.

Submission:

Ambry Genetics
Classification: Uncertain significance. Last evaluated: 2026-04-01. Review status: criteria provided, single submitter. Criteria: Ambry Variant Classification Scheme 2023. Collection method: clinical testing. Allele origin: germline.
Comment: The c.989T>A (p.L330*) alteration, located in exon 13 (coding exon 10) of the FRYL gene, consists of a T to A substitution at nucleotide position 989. This changes the amino acid from a leucine (L) to a stop codon at amino acid position 330. This alteration is expected to result in loss of function by premature protein truncation or nonsense-mediated mRNA decay. However, loss of function of FRYL has not been established as a mechanism of disease. This variant was not reported in population-based cohorts in the Genome Aggregation Database (gnomAD). Based on insufficient or conflicting evidence, the clinical significance of this alteration remains unclear.